The following is an entry in ClinVar:

NM_022489.4(INF2):c.570C>T (p.Asn190=)

Gene: INF2 (inverted formin 2; plus strand). Cytogenetic location: 14q32.33.
Variant type: single nucleotide variant.
Coding change: c.570C>T on transcript NM_022489.4 (MANE Select); coding-DNA position 570, C replaced by T.
Protein change: p.Asn190=; no amino-acid change (asparagine 190 retained).
Molecular consequence: synonymous variant.
Genome position (GRCh38, 1-based): chr14:104,703,357, C>T. VCF-style: chr14-104703357-C-T. GRCh37 (hg19) VCF-style: chr14-105169694-C-T.
Other names: c.570C>T, p.Asn190= (NM_001031714.4, NM_032714.3).
Identifiers: ClinVar variation 704377 (VCV000704377.12), dbSNP rs200662352, ClinGen allele CA7372333.

ClinVar aggregate classification (germline): Likely benign. Review status: criteria provided, multiple submitters, no conflicts (2 of 4 stars). 2 submissions from 2 submitters: Likely benign (2). Last evaluated 2025-09-18.

Conditions:
INF2-related disorder. Also called: INF2-related condition.
Focal segmental glomerulosclerosis 5 (FSGS5). Identifiers: Orphanet 656, MedGen C2750475, MONDO:0013191, OMIM 613237.
Charcot-Marie-Tooth disease dominant intermediate E. Also called: CHARCOT-MARIE-TOOTH NEUROPATHY WITH FOCAL SEGMENTAL GLOMERULONEPHRITIS. Identifiers: Orphanet 93114, MedGen C4302667, MONDO:0013758, OMIM 614455.

Allele frequency attached by ClinVar (database versions not stated): gnomAD 0.00001; gnomAD exomes 0.00002 and 0.00006; ExAC 0.00009; 1000 Genomes Project 30x 0.00016; 1000 Genomes Project 0.00020.
gnomAD v4.1: 36 of 1,613,086 alleles (0.0022%); highest among the groups gnomAD compares: Admixed American, 0.005%; no homozygotes.

Submissions (2):

PreventionGenetics, part of Exact Sciences
Classification: Likely benign for INF2-related condition. Last evaluated: 2025-09-18. Review status: criteria provided, single submitter. Criteria: ACMG Guidelines, 2015. Collection method: clinical testing. Allele origin: germline.
Comment: This variant is classified as likely benign based on ACMG/AMP sequence variant interpretation guidelines (Richards et al. 2015 PMID: 25741868, with internal and published modifications).

Labcorp Genetics (formerly Invitae), Labcorp
Classification: Likely benign for Charcot-Marie-Tooth disease dominant intermediate E; Focal segmental glomerulosclerosis 5. Last evaluated: 2022-09-08. Review status: criteria provided, single submitter. Criteria: Invitae Variant Classification Sherloc (09022015). Collection method: clinical testing. Allele origin: germline.